The following is an entry in ClinVar:

ClinVar aggregate classification (germline): Likely benign. Review status: criteria provided, multiple submitters, no conflicts (2 of 4 stars). 2 submissions from 2 submitters: Likely benign (2). Last evaluated 2026-02-02.

Conditions:
Zellweger spectrum disorders (ZS). Also called: Zellweger syndrome; Zellweger Spectrum Disorder (ZSD); Zellweger Spectrum Disorder; Zellweger Spectrum. Identifiers: Orphanet 912, MedGen C0043459, MONDO:0019609.
PEX1-related disorder. Also called: PEX1-related condition.

Allele frequency attached by ClinVar (database versions not stated): gnomAD exomes below 0.00001.
gnomAD v4.1: 2 of 1,554,204 alleles (0.00013%); highest among the groups gnomAD compares: South Asian, 0.0022%; no homozygotes.

Submissions (2):

PreventionGenetics, part of Exact Sciences
Classification: Likely benign for PEX1-related condition. Last evaluated: 2026-02-02. Review status: criteria provided, single submitter. Criteria: ACMG Guidelines, 2015. Collection method: clinical testing. Allele origin: germline.
Comment: This variant is classified as likely benign based on ACMG/AMP sequence variant interpretation guidelines (Richards et al. 2015 PMID: 25741868, with internal and published modifications).

Labcorp Genetics (formerly Invitae), Labcorp
Classification: Likely benign for Zellweger spectrum disorders. Last evaluated: 2025-09-13. Review status: criteria provided, single submitter. Criteria: Invitae Variant Classification Sherloc (09022015). Collection method: clinical testing. Allele origin: germline.

NM_000466.3(PEX1):c.1804-7T>G

Gene: PEX1 (peroxisomal biogenesis factor 1; minus strand). Cytogenetic location: 7q21.2.
Variant type: single nucleotide variant.
Coding change: c.1804-7T>G on transcript NM_000466.3 (MANE Select); 7 bases into the intron before coding-DNA position 1804, T replaced by G.
Molecular consequence: intron variant.
Genome position (GRCh38, 1-based): chr7:92,506,351, A>C on the plus strand (T>G on the coding strand, the complement: PEX1 is on the minus strand). VCF-style: chr7-92506351-A-C. GRCh37 (hg19) VCF-style: chr7-92135665-A-C.
Other names: c.1804-7T>G (NM_000466.2, NM_001282677.2); c.1180-7T>G (NM_001282678.2).
Identifiers: ClinVar variation 1591545 (VCV001591545.9), dbSNP rs1171558935, ClinGen allele CA576305576.
Genomic context (GRCh38, chr7:92,506,351, plus strand): 5'-TTTGTCAAATGCTTCTTTACAGATTGCTTTGGCTAAAGTTGATTTTCCACTTCCCTAGAA[A>C]ATAATTGCTTTATAGGAATTCCCAATATATTCAGTCACAGAAATAGTTCCTGTCATTGTG-3'